The following is an entry in ClinVar:

NM_020461.4(TUBGCP6):c.2611C>T (p.Pro871Ser)

Gene: TUBGCP6 (tubulin gamma complex component 6; minus strand). Cytogenetic location: 22q13.33.
Variant type: single nucleotide variant.
Coding change: c.2611C>T on transcript NM_020461.4 (MANE Select); coding-DNA position 2611, C replaced by T.
Protein change: p.Pro871Ser; replaces proline 871 with serine.
Molecular consequence: missense variant.
Genome position (GRCh38, 1-based): chr22:50,221,748, G>A on the plus strand (C>T on the coding strand, the complement: TUBGCP6 is on the minus strand). VCF-style: chr22-50221748-G-A. GRCh37 (hg19) VCF-style: chr22-50660177-G-A.
Other names: short protein forms P871S.
Identifiers: ClinVar variation 1346576 (VCV001346576.8), dbSNP rs903231109, ClinGen allele CA325461221.

ClinVar aggregate classification (germline): Uncertain significance (1 of 4 stars; one submission).

Allele frequency attached by ClinVar (database versions not stated): gnomAD exomes below 0.00001 and 0.00001; gnomAD 0.00001; TOPMed 0.00001.
gnomAD v4.1: 5 of 1,516,384 alleles (0.00033%); highest among the groups gnomAD compares: African/African-American, 0.0014%; no homozygotes.

Submission:

Labcorp Genetics (formerly Invitae), Labcorp
Classification: Uncertain significance. Last evaluated: 2021-06-16. Review status: criteria provided, single submitter. Criteria: Invitae Variant Classification Sherloc (09022015). Collection method: clinical testing. Allele origin: germline.
Comment: This sequence change replaces proline with serine at codon 871 of the TUBGCP6 protein (p.Pro871Ser). The proline residue is weakly conserved and there is a moderate physicochemical difference between proline and serine. This variant is not present in population databases (ExAC no frequency). This variant has not been reported in the literature in individuals with TUBGCP6-related conditions. Algorithms developed to predict the effect of missense changes on protein structure and function output the following: SIFT: "Tolerated"; PolyPhen-2: "Benign"; Align-GVGD: "Class C0". The serine amino acid residue is found in multiple mammalian species, suggesting that this missense change does not adversely affect protein function. These predictions have not been confirmed by published functional studies and their clinical significance is uncertain. In summary, the available evidence is currently insufficient to determine the role of this variant in disease. Therefore, it has been classified as a Variant of Uncertain Significance.